The following is an entry in ClinVar:

ClinVar aggregate classification (germline): Uncertain significance (1 of 4 stars; one submission).

Conditions:
Cardiovascular phenotype. Identifiers: MedGen CN230736.

Submission:

Ambry Genetics
Classification: Uncertain significance for Cardiovascular phenotype. Last evaluated: 2024-03-01. Review status: criteria provided, single submitter. Criteria: Ambry Variant Classification Scheme 2023. Collection method: clinical testing. Allele origin: germline.
Comment: The p.G362S variant (also known as c.1084G>A), located in coding exon 6 of the LCAT gene, results from a G to A substitution at nucleotide position 1084. The glycine at codon 362 is replaced by serine, an amino acid with similar properties. This amino acid position is conserved. In addition, this alteration is predicted to be tolerated by in silico analysis. Based on the available evidence, the clinical significance of this alteration remains unclear.

NM_000229.2(LCAT):c.1084G>A (p.Gly362Ser)

Gene: LCAT (lecithin-cholesterol acyltransferase; minus strand). Cytogenetic location: 16q22.1.
Variant type: single nucleotide variant.
Coding change: c.1084G>A on transcript NM_000229.2 (MANE Select); coding-DNA position 1084, G replaced by A.
Protein change: p.Gly362Ser; replaces glycine 362 with serine.
Molecular consequence: missense variant.
Genome position (GRCh38, 1-based): chr16:67,940,143, C>T on the plus strand (G>A on the coding strand, the complement: LCAT is on the minus strand). VCF-style: chr16-67940143-C-T. GRCh37 (hg19) VCF-style: chr16-67974046-C-T.
Other names: short protein forms G362S.
Identifiers: ClinVar variation 3230693 (VCV003230693.1), dbSNP rs2544402802, ClinGen allele CA396375721.